The following is an entry in ClinVar:

ClinVar aggregate classification (germline): Likely pathogenic (1 of 4 stars; one submission).

Conditions:
Glycine encephalopathy. Also called: Non-ketotic hyperglycinemia; Nonketotic hyperglycinemia. Identifiers: Orphanet 407, MedGen C0751748, MONDO:0011612, HP:0008288.

Submission:

Myriad Genetics, Inc.
Classification: Likely pathogenic for Glycine encephalopathy 1. Last evaluated: 2019-06-01. Review status: criteria provided, single submitter. Criteria: Myriad Women's Health Autosomal Recessive and X-Linked Classification Criteria (2019). Collection method: clinical testing. Allele origin: unknown.
Comment: NM_000170.2(GLDC):c.1363C>T(Q455*) is expected to be pathogenic in the context of GLDC-related glycine encephalopathy. This variant is predicted to lead to an abnormal or absent protein product due to the creation of a premature termination codon in GLDC, a gene where loss-of-function variants are known to be pathogenic. Please note: this variant was assessed in the context of healthy population screening.

NM_000170.3(GLDC):c.1363C>T (p.Gln455Ter)

Gene: GLDC (glycine decarboxylase; minus strand). Cytogenetic location: 9p24.1.
Variant type: single nucleotide variant.
Coding change: c.1363C>T on transcript NM_000170.3 (MANE Select); coding-DNA position 1363, C replaced by T.
Protein change: p.Gln455Ter; replaces glutamine 455 with a stop codon.
Molecular consequence: nonsense.
Genome position (GRCh38, 1-based): chr9:6,592,889, G>A on the plus strand (C>T on the coding strand, the complement: GLDC is on the minus strand). VCF-style: chr9-6592889-G-A. GRCh37 (hg19) VCF-style: chr9-6592889-G-A.
Other names: short protein forms Q455*.
Identifiers: ClinVar variation 983840 (VCV000983840.4), dbSNP rs1818404451, ClinGen allele CA372893974.
Genomic context (GRCh38, chr9:6,592,889, plus strand): 5'-AAATACTGAAAATTTGACTTACTGTGCCATCCTCAAAAAGCCGAAAATTGATCTGCCGCT[G>A]AGCGGCCCTGCCCAAGACCTCCTTCACTGAGCAGCCACACTGAATCTTCAAGGTATCAAA-3'